The following is an entry in ClinVar:

ClinVar aggregate classification (germline): Pathogenic. Review status: criteria provided, multiple submitters, no conflicts (2 of 4 stars). 10 submissions from 10 submitters: Pathogenic (9). 1 of the submissions does not count toward it. Last evaluated 2026-01-06.

Conditions:
Methylmalonic aciduria due to complete methylmalonyl-CoA mutase deficiency.
MMUT-related disorder. Also called: MMUT-related condition.
Methylmalonic acidemia (MMA). Also called: Isolated Methylmalonic Acidemia. Identifiers: MedGen C0268583, MeSH C537358, MONDO:0002012, HP:0002912.
Methylmalonic aciduria due to methylmalonyl-CoA mutase deficiency (MAMM). Also called: Methylmalonic aciduria, mut type. Identifiers: Orphanet 27, MedGen C1855114, MONDO:0009612, OMIM 251000.

Allele frequency attached by ClinVar (database versions not stated): ExAC 0.00002; gnomAD 0.00003; TOPMed 0.00003; gnomAD exomes 0.00004 and 0.00006; 1000 Genomes Project 30x 0.00016; 1000 Genomes Project 0.00020.
gnomAD v4.1: 62 of 1,611,646 alleles (0.0038%); highest among the groups gnomAD compares: Admixed American, 0.018%; no homozygotes.

Submissions (10):

Dasa
Classification: Pathogenic. Last evaluated: 2026-01-06. Review status: criteria provided, single submitter. Criteria: DASA Assertion Criteria. Collection method: clinical testing. Allele origin: germline.
Comment: NM_000255.4(MMUT):c.682C>T (p.Arg228*) introduces a premature termination codon predicted to result in loss of normal protein function. Loss-of-function is an established mechanism of disease for this gene. This variant has been observed in affected individuals with related phenotype in a genotype context consistent with recessive disease (PMID: 15643616; PMID: 27233228). This variant has been recurrently observed in individuals with related phenotype (PMID: 15643616; PMID: 27233228). The variant is present at low frequency in population datasets. Based on the available data, this variant is classified as pathogenic.

Natera, Inc.
Classification: Pathogenic for Methylmalonic aciduria due to complete methylmalonyl-CoA mutase deficiency. Last evaluated: 2025-09-30. Review status: criteria provided, single submitter. Criteria: Natera Variant Classification Schema (03/2026). Collection method: clinical testing. Allele origin: germline.
Comment: The c.682C>T variant in MMUT is a nonsense variant predicted to introduce a stop codon at amino acid 228. This variant is expected to result in nonsense mediated decay, truncation, or a dysfunctional protein product. This variant is rare in the general population with a frequency below the threshold expected for the associated phenotype(s). This variant has been observed in one or more individuals affected with the associated recessive disease, as either homozygous or compound heterozygous with a second variant (PMID: 16281286). Given the available evidence, this variant is classified as Pathogenic.

PreventionGenetics, part of Exact Sciences
Classification: Pathogenic for MMUT-related condition. Last evaluated: 2025-05-19. Review status: criteria provided, single submitter. Criteria: ACMG Guidelines, 2015. Collection method: clinical testing. Allele origin: germline.
Comment: The MMUT c.682C>T variant is predicted to result in premature protein termination (p.Arg228*). This variant has been reported to be causative for methylmalonic acidemia (see for examples: Acquaviva et al. 2005. PubMed ID: 15643616; Scolamiero et al. 2015. PubMed ID: 25689098). This variant is reported in 0.026% of alleles in individuals of Latino descent in gnomAD. Nonsense variants in MMUT are expected to be pathogenic. This variant is interpreted as pathogenic.

Labcorp Genetics (formerly Invitae), Labcorp
Classification: Pathogenic. Last evaluated: 2024-10-15. Review status: criteria provided, single submitter. Criteria: Invitae Variant Classification Sherloc (09022015). Collection method: clinical testing. Allele origin: germline.
Comment: This sequence change creates a premature translational stop signal (p.Arg228*) in the MUT gene. It is expected to result in an absent or disrupted protein product. Loss-of-function variants in MUT are known to be pathogenic (PMID: 15781192). This variant is present in population databases (rs200596762, gnomAD 0.02%). This premature translational stop signal has been observed in individuals with MUT-related conditions (PMID: 15643616, 15781192, 27233228). ClinVar contains an entry for this variant (Variation ID: 203855). For these reasons, this variant has been classified as Pathogenic.

3billion
Classification: Pathogenic for Methylmalonic aciduria due to methylmalonyl-CoA mutase deficiency. Last evaluated: 2023-02-23. Review status: criteria provided, single submitter. Criteria: ACMG Guidelines, 2015. Collection method: clinical testing. Allele origin: unknown. Affected: yes.
Comment: The variant is observed at an extremely low frequency in the gnomAD v2.1.1 dataset (total allele frequency: 0.006%). This variant was predicted to result in a loss or disruption of normal protein function through nonsense-mediated decay (NMD) or protein truncation. Multiple pathogenic variants are reported downstream of the variant. The variant has been reported at least twice as pathogenic with clinical assertions and evidence for the classification (ClinVar ID: VCV000203855 / PMID: 15643616). Therefore, this variant is classified as Pathogenic according to the recommendation of ACMG/AMP guideline.

GeneDx
Classification: Pathogenic. Last evaluated: 2022-12-12. Review status: criteria provided, single submitter. Criteria: GeneDx Variant Classification Process June 2021. Collection method: clinical testing. Allele origin: germline. Affected: yes.
Comment: Reported previously in patients with methylmalonic acidemia (MMA) in the homozygous state or with a second variant in the MUT gene (Acquaviva et al., 2005; Chu et al., 2016; Rosa et al., 2018); Nonsense variant predicted to result in protein truncation or nonsense mediated decay in a gene for which loss-of-function is a known mechanism of disease; This variant is associated with the following publications: (PMID: 19375370, 17957493, 35361390, 25525159, 23045948, 21671183, 16281286, 27233228, 29881561, 26790480, 17470278, 15781192, 25689098, 31525265, 31622506, 15643616, 32778825, 32754920, 27535533)

Laboratorio de Genetica e Diagnostico Molecular, Hospital Israelita Albert Einstein
Classification: Pathogenic for Methylmalonic aciduria due to methylmalonyl-CoA mutase deficiency. Last evaluated: 2022-07-22. Review status: criteria provided, single submitter. Criteria: ACMG Guidelines, 2015. Collection method: clinical testing. Allele origin: germline. Affected: yes. Observed: 1 variant allele.
Comment: ACMG classification criteria: PVS1 very strong, PS4 strong, PM2 moderated, PM3 moderated

Women's Health and Genetics/Laboratory Corporation of America, LabCorp
Classification: Pathogenic for Methylmalonic acidemia. Last evaluated: 2019-05-02. Review status: criteria provided, single submitter. Criteria: LabCorp Variant Classification Summary - May 2015. Collection method: clinical testing. Allele origin: germline.
Comment: Variant summary: MUT c.682C>T (p.Arg228X) results in a premature termination codon, predicted to cause a truncation of the encoded protein or absence of the protein due to nonsense mediated decay, which are commonly known mechanisms for disease. The variant allele was found at a frequency of 6.4e-05 in 250348 control chromosomes (gnomAD). This frequency is not higher than expected for a pathogenic variant in MUT causing Methylmalonic Acidemia (6.4e-05 vs 0.0024). c.682C>T has been reported in the literature in multiple individuals affected with Methylmalonic Acidemia (Harrington_2016, Acquaviva_2005). These data indicate that the variant is very likely to be associated with disease. Two ClinVar submitters (evaluation after 2014) cite the variant as pathogenic. Based on the evidence outlined above, the variant was classified as pathogenic.

Illumina Laboratory Services, Illumina
Classification: Pathogenic for Methylmalonic aciduria due to methylmalonyl-CoA mutase deficiency. Last evaluated: 2017-09-27. Review status: criteria provided, single submitter. Criteria: ICSL Variant Classification Criteria 09 May 2019. Collection method: clinical testing. Allele origin: germline.
Comment: Across a selection of the available literature, the MUT c.682C>T (p.Arg228Ter) variant has been identified in a homozygous state in at least one proband and in a compound heterozygous state in at least eleven probands with methylmalonic academia (Acquaviva et al. 2005; Chu et al. 2016; Harrington et al. 2016). Control data are unavailable for this variant, which is reported at a frequency of 0.000209 in the Latino population of the Genome Aggregation Database. Based on the evidence and the potential impact of stop-gained variants, the p.Arg228Ter variant is classified as pathogenic for methylmalonic acidemia. This variant was observed by ICSL as part of a predisposition screen in an ostensibly healthy population.

Counsyl
Classification: Pathogenic for Methylmalonic aciduria due to methylmalonyl-CoA mutase deficiency. Last evaluated: 2017-05-15. Review status: no assertion criteria provided. Collection method: clinical testing. Allele origin: unknown. Not counted in ClinVar's aggregate classification.

Literature cited by the submitters: PubMed 15643616 (cited by 5 submitters); PubMed 27233228 (cited by 4 submitters); PubMed 16281286 (cited by Natera, Inc.); PubMed 15781192 (cited by Labcorp Genetics (formerly Invitae), Labcorp); PubMed 26790480 (cited by Women's Health and Genetics/Laboratory Corporation of America, LabCorp and Illumina Laboratory Services, Illumina); PubMed 17470278 (cited by Counsyl); PubMed 19088183 (cited by Counsyl).

NM_000255.4(MMUT):c.682C>T (p.Arg228Ter)

Gene: MMUT (methylmalonyl-CoA mutase; minus strand). Cytogenetic location: 6p12.3.
Variant type: single nucleotide variant.
Coding change: c.682C>T on transcript NM_000255.4 (MANE Select); coding-DNA position 682, C replaced by T.
Protein change: p.Arg228Ter; replaces arginine 228 with a stop codon.
Molecular consequence: nonsense.
Genome position (GRCh38, 1-based): chr6:49,457,762, G>A on the plus strand (C>T on the coding strand, the complement: MMUT is on the minus strand). VCF-style: chr6-49457762-G-A. GRCh37 (hg19) VCF-style: chr6-49425475-G-A.
Other names: short protein forms R228*.
Identifiers: ClinVar variation 203855 (VCV000203855.21), dbSNP rs200596762, ClinGen allele CA312778.